The following is an entry in ClinVar:

NM_000208.4(INSR):c.3094G>A (p.Gly1032Ser)

Gene: INSR (insulin receptor; minus strand). Cytogenetic location: 19p13.2.
Variant type: single nucleotide variant.
Coding change: c.3094G>A on transcript NM_000208.4 (MANE Select); coding-DNA position 3094, G replaced by A.
Protein change: p.Gly1032Ser; replaces glycine 1032 with serine.
Molecular consequence: missense variant.
Genome position (GRCh38, 1-based): chr19:7,125,447, C>T on the plus strand (G>A on the coding strand, the complement: INSR is on the minus strand). VCF-style: chr19-7125447-C-T. GRCh37 (hg19) VCF-style: chr19-7125458-C-T.
Other names: c.3058G>A, p.Gly1020Ser (NM_001079817.3); short protein forms G1020S, G1032S.
Identifiers: ClinVar variation 2663319 (VCV002663319.1), dbSNP rs2512294568, ClinGen allele CA403671323.
Genomic context (GRCh38, chr19:7,125,447, plus strand): 5'-TCTCTGCCTCACCCTTGATGATGTCCCTGGCATTGCCCTCATACACCATGCCGAAGGAGC[C>T]CTGCCCCAGCTCTCGAAGGAGGGTGATCTTCTCTCGAGACACCTCCCACTCGTCCGGCAC-3'
Protein context (NP_000199.2, residues 1022-1042): KITLLRELGQ[Gly1032Ser]SFGMVYEGNA

ClinVar aggregate classification (germline): Uncertain significance (1 of 4 stars; one submission).

Submission:

GeneDx
Classification: Uncertain significance. Last evaluated: 2023-04-20. Review status: criteria provided, single submitter. Criteria: GeneDx Variant Classification Process June 2021. Collection method: clinical testing. Allele origin: germline. Affected: yes.
Comment: Not observed at significant frequency in large population cohorts (gnomAD); In silico analysis supports that this missense variant has a deleterious effect on protein structure/function; Has not been previously published as pathogenic or benign to our knowledge